The following is an entry in ClinVar:

NM_015474.4(SAMHD1):c.676C>T (p.Arg226Cys)

Gene: SAMHD1 (SAM and HD domain containing deoxynucleoside triphosphate triphosphohydrolase 1; minus strand). Cytogenetic location: 20q11.23.
Variant type: single nucleotide variant.
Coding change: c.676C>T on transcript NM_015474.4 (MANE Select); coding-DNA position 676, C replaced by T.
Protein change: p.Arg226Cys; replaces arginine 226 with cysteine.
Molecular consequence: missense variant.
Genome position (GRCh38, 1-based): chr20:36,927,202, G>A on the plus strand (C>T on the coding strand, the complement: SAMHD1 is on the minus strand). VCF-style: chr20-36927202-G-A. GRCh37 (hg19) VCF-style: chr20-35555605-G-A.
Other names: c.676C>T (NM_015474.3); c.676C>T, p.Arg226Cys (NM_001363729.2, NM_001363733.2); short protein forms R226C.
Identifiers: ClinVar variation 1384748 (VCV001384748.4), dbSNP rs778647626, ClinGen allele CA9844682.

ClinVar aggregate classification (germline): Uncertain significance. Review status: criteria provided, multiple submitters, no conflicts (2 of 4 stars). 2 submissions from 2 submitters: Uncertain significance (2). Last evaluated 2025-01-25.

Conditions:
Aicardi-Goutieres syndrome 5. Identifiers: Orphanet 51, MedGen C2749659, MONDO:0013059, OMIM 612952.

Allele frequency attached by ClinVar (database versions not stated): ExAC 0.00002.

Submissions (2):

GeneDx
Classification: Uncertain significance. Last evaluated: 2025-01-25. Review status: criteria provided, single submitter. Criteria: GeneDx Variant Classification Process June 2021. Collection method: clinical testing. Allele origin: germline. Affected: yes.
Comment: Reported with a second variant on the opposite allele (in trans) in an individual with history of childhood onset moyamoya disease and adult onset mitral valve insufficiency who lacked hallmark features of Aicardi-Goutieres syndrome (PMID: 38041217); In silico analysis supports that this missense variant has a deleterious effect on protein structure/function; This variant is associated with the following publications: (PMID: 38041217)

Labcorp Genetics (formerly Invitae), Labcorp
Classification: Uncertain significance for Aicardi-Goutieres syndrome 5. Last evaluated: 2022-06-13. Review status: criteria provided, single submitter. Criteria: Invitae Variant Classification Sherloc (09022015). Collection method: clinical testing. Allele origin: germline.
Comment: This sequence change replaces arginine, which is basic and polar, with cysteine, which is neutral and slightly polar, at codon 226 of the SAMHD1 protein (p.Arg226Cys). This variant is present in population databases (rs778647626, gnomAD 0.005%). This variant has not been reported in the literature in individuals affected with SAMHD1-related conditions. Algorithms developed to predict the effect of missense changes on protein structure and function output the following: SIFT: "Tolerated"; PolyPhen-2: "Benign"; Align-GVGD: "Class C0". The cysteine amino acid residue is found in multiple mammalian species, which suggests that this missense change does not adversely affect protein function. In summary, the available evidence is currently insufficient to determine the role of this variant in disease. Therefore, it has been classified as a Variant of Uncertain Significance.